The following is an entry in ClinVar:

NM_001042492.3(NF1):c.1703A>G (p.Glu568Gly)

Gene: NF1 (neurofibromin 1; plus strand). Cytogenetic location: 17q11.2.
Variant type: single nucleotide variant.
Coding change: c.1703A>G on transcript NM_001042492.3 (MANE Select); coding-DNA position 1703, A replaced by G.
Protein change: p.Glu568Gly; replaces glutamic acid 568 with glycine.
Molecular consequence: missense variant.
Genome position (GRCh38, 1-based): chr17:31,221,911, A>G. VCF-style: chr17-31221911-A-G. GRCh37 (hg19) VCF-style: chr17-29548929-A-G.
Other names: c.1703A>G, p.Glu568Gly (NM_000267.4, NM_001128147.3); short protein forms E568G.
Identifiers: ClinVar variation 646112 (VCV000646112.5), dbSNP rs1597706730, ClinGen allele CA399002345.

ClinVar aggregate classification (germline): Uncertain significance (1 of 4 stars; one submission).

Conditions:
Neurofibromatosis, type 1 (NF1). Also called: NEUROFIBROMATOSIS, TYPE I, SOMATIC; VON RECKLINGHAUSEN DISEASE; Neurofibromatosis, type I; Peripheral type neurofibromatosis. Identifiers: Orphanet 636, MedGen C0027831, MONDO:0018975, OMIM 162200. Disease mechanism: loss of function.

Submission:

Labcorp Genetics (formerly Invitae), Labcorp
Classification: Uncertain significance for Neurofibromatosis, type 1. Last evaluated: 2018-10-31. Review status: criteria provided, single submitter. Criteria: Invitae Variant Classification Sherloc (09022015). Collection method: clinical testing. Allele origin: germline.
Comment: In summary, the available evidence is currently insufficient to determine the role of this variant in disease. Therefore, it has been classified as a Variant of Uncertain Significance. Algorithms developed to predict the effect of missense changes on protein structure and function are either unavailable or do not agree on the potential impact of this missense change (SIFT: "Deleterious"; PolyPhen-2: "Probably Damaging"; Align-GVGD: "Class C0"). This variant has not been reported in the literature in individuals with NF1-related disease. This variant is not present in population databases (ExAC no frequency). This sequence change replaces glutamic acid with glycine at codon 568 of the NF1 protein (p.Glu568Gly). The glutamic acid residue is highly conserved and there is a moderate physicochemical difference between glutamic acid and glycine.